The following is an entry in ClinVar:

ClinVar aggregate classification (germline): Uncertain significance (1 of 4 stars; one submission).

Conditions:
Kabuki syndrome. Also called: Kabuki make-up syndrome; NIIKAWA-KUROKI SYNDROME. Identifiers: Orphanet 2322, MedGen C0796004, MONDO:0016512.

Submission:

Labcorp Genetics (formerly Invitae), Labcorp
Classification: Uncertain significance for Kabuki syndrome. Last evaluated: 2022-04-28. Review status: criteria provided, single submitter. Criteria: Invitae Variant Classification Sherloc (09022015). Collection method: clinical testing. Allele origin: germline.
Comment: This sequence change replaces glutamic acid, which is acidic and polar, with aspartic acid, which is acidic and polar, at codon 1337 of the KMT2D protein (p.Glu1337Asp). This variant is not present in population databases (gnomAD no frequency). In summary, the available evidence is currently insufficient to determine the role of this variant in disease. Therefore, it has been classified as a Variant of Uncertain Significance. Advanced modeling of protein sequence and biophysical properties (such as structural, functional, and spatial information, amino acid conservation, physicochemical variation, residue mobility, and thermodynamic stability) performed at Invitae indicates that this missense variant is not expected to disrupt KMT2D protein function. This variant has not been reported in the literature in individuals affected with KMT2D-related conditions.

NM_003482.4(KMT2D):c.4011G>T (p.Glu1337Asp)

Genes: KMT2D (lysine methyltransferase 2D; minus strand), LOC126861520 (CDK7 strongly-dependent group 2 enhancer GRCh37_chr12:49442744-49443943; plus strand). Cytogenetic location: 12q13.12.
Variant type: single nucleotide variant.
Coding change: c.4011G>T on transcript NM_003482.4 (MANE Select); coding-DNA position 4011, G replaced by T.
Protein change: p.Glu1337Asp; replaces glutamic acid 1337 with aspartic acid.
Molecular consequence: missense variant.
Genome position (GRCh38, 1-based): chr12:49,049,114, C>A on the plus strand (G>T on the coding strand, the complement: KMT2D is on the minus strand). VCF-style: chr12-49049114-C-A. GRCh37 (hg19) VCF-style: chr12-49442897-C-A.
Other names: short protein forms E1337D.
Identifiers: ClinVar variation 2190393 (VCV002190393.4), dbSNP rs764658954, ClinGen allele CA384651375.